The following is an entry in ClinVar:

ClinVar aggregate classification (germline): Uncertain significance (1 of 4 stars; one submission).

Conditions:
Dilated cardiomyopathy 1O (CMD1O). Also called: CARDIOMYOPATHY, DILATED, WITH VENTRICULAR TACHYCARDIA. Identifiers: Orphanet 154, MedGen C1837839, MONDO:0012062, OMIM 608569.

Submission:

Labcorp Genetics (formerly Invitae), Labcorp
Classification: Uncertain significance for Dilated cardiomyopathy 1O. Last evaluated: 2023-11-07. Review status: criteria provided, single submitter. Criteria: Invitae Variant Classification Sherloc (09022015). Collection method: clinical testing. Allele origin: germline.
Comment: This sequence change replaces arginine, which is basic and polar, with glycine, which is neutral and non-polar, at codon 649 of the ABCC9 protein (p.Arg649Gly). This variant is not present in population databases (gnomAD no frequency). This variant has not been reported in the literature in individuals affected with ABCC9-related conditions. Advanced modeling of protein sequence and biophysical properties (such as structural, functional, and spatial information, amino acid conservation, physicochemical variation, residue mobility, and thermodynamic stability) has been performed at Invitae for this missense variant, however the output from this modeling did not meet the statistical confidence thresholds required to predict the impact of this variant on ABCC9 protein function. In summary, the available evidence is currently insufficient to determine the role of this variant in disease. Therefore, it has been classified as a Variant of Uncertain Significance.

NM_020297.4(ABCC9):c.1945A>G (p.Arg649Gly)

Gene: ABCC9 (ATP binding cassette subfamily C member 9; minus strand). Cytogenetic location: 12p12.1.
Variant type: single nucleotide variant.
Coding change: c.1945A>G on transcript NM_020297.4 (MANE Select); coding-DNA position 1945, A replaced by G.
Protein change: p.Arg649Gly; replaces arginine 649 with glycine.
Molecular consequence: missense variant.
Genome position (GRCh38, 1-based): chr12:21,882,840, T>C on the plus strand (A>G on the coding strand, the complement: ABCC9 is on the minus strand). VCF-style: chr12-21882840-T-C. GRCh37 (hg19) VCF-style: chr12-22035774-T-C.
Other names: c.1945A>G, p.Arg649Gly (NM_001377273.1, NM_005691.4); c.1081A>G, p.Arg361Gly (NM_001377274.1); short protein forms R649G, R361G.
Identifiers: ClinVar variation 2694066 (VCV002694066.3), dbSNP rs2541426497, ClinGen allele CA384135161.